The following is an entry in ClinVar:

NM_001715.3(BLK):c.392G>A (p.Arg131Gln)

Genes: BLK (BLK proto-oncogene, Src family tyrosine kinase), LOC126860303 (CDK7 strongly-dependent group 2 enhancer GRCh37_chr8:11407118-11408317). Cytogenetic location: 8p23.1.
Variant type: single nucleotide variant.
Coding change: c.392G>A on transcript NM_001715.3 (MANE Select); coding-DNA position 392, G replaced by A.
Protein change: p.Arg131Gln; replaces arginine 131 with glutamine.
Molecular consequence: missense variant.
Genome position (GRCh38, 1-based): chr8:11,550,182, G>A. VCF-style: chr8-11550182-G-A. GRCh37 (hg19) VCF-style: chr8-11407691-G-A.
Other names: c.179G>A, p.Arg60Gln (NM_001330465.2); c.392G>A (NM_001715.2); short protein forms R131Q, R60Q.
Identifiers: ClinVar variation 619202 (VCV000619202.7), dbSNP rs144615291, ClinGen allele CA4629869.
Genomic context (GRCh38, chr8:11,550,182, plus strand): 5'-GTCGCTCTGAGTTTCACCTGTTCCTGCCGTTTTCCAGGTGGTTCTTTAGATCACAGGGTC[G>A]GAAGGAGGCTGAGAGGCAGCTTCTTGCTCCAATCAACAAGGCCGGCTCCTTTCTTATCAG-3'
Protein context (NP_001706.2, residues 121-141): MERWFFRSQG[Arg131Gln]KEAERQLLAP

ClinVar aggregate classification (germline): Uncertain significance. Review status: criteria provided, multiple submitters, no conflicts (2 of 4 stars). 3 submissions from 3 submitters: Uncertain significance (2). 1 of the submissions does not count toward it. Last evaluated 2026-01-01.

Conditions:
Systemic lupus erythematosus (SLE). Identifiers: Orphanet 536, MedGen C0024141, MONDO:0007915, OMIM 152700, HP:0002725.
BLK-related disorder. Also called: BLK-related condition.

Allele frequency attached by ClinVar (database versions not stated): gnomAD 0.00001; TOPMed 0.00001; ESP Exome Variant Server 0.00008.
gnomAD v4.1: 69 of 1,614,030 alleles (0.0043%); highest among the groups gnomAD compares: Middle Eastern, 0.033%; no homozygotes.

Submissions (3):

Labcorp Genetics (formerly Invitae), Labcorp
Classification: Uncertain significance. Last evaluated: 2026-01-01. Review status: criteria provided, single submitter. Criteria: Invitae Variant Classification Sherloc (09022015). Collection method: clinical testing. Allele origin: germline.
Comment: This sequence change replaces arginine, which is basic and polar, with glutamine, which is neutral and polar, at codon 131 of the BLK protein (p.Arg131Gln). This variant is present in population databases (rs144615291, gnomAD 0.007%). This missense change has been observed in individual(s) with clinical features of BLK-related conditions (PMID: 30191644). ClinVar contains an entry for this variant (Variation ID: 619202). An algorithm developed to predict the effect of missense changes on protein structure and function (PolyPhen-2) suggests that this variant is likely to be disruptive. Experimental studies have shown that this missense change affects BLK function (PMID: 31101814). In summary, the available evidence is currently insufficient to determine the role of this variant in disease. Therefore, it has been classified as a Variant of Uncertain Significance.

PreventionGenetics, part of Exact Sciences
Classification: Uncertain significance for BLK-related condition. Last evaluated: 2023-04-12. Review status: criteria provided, single submitter. Criteria: ACMG Guidelines, 2015. Collection method: clinical testing. Allele origin: germline.
Comment: The BLK c.392G>A variant is predicted to result in the amino acid substitution p.Arg131Gln. This variant has reported in a cohort of patients with diabetes (Table S5, Johnson et al 2019. PubMed ID: 30191644). This variant has also been reported in a cohort of patients with systemic lupus erythematosus (SLE) (Jiang SH et al 2019. PubMed ID: 31101814). This variant is reported in 0.0077% of alleles in individuals of European (Non-Finnish) descent in gnomAD. At this time, the clinical significance of this variant is uncertain due to the absence of conclusive functional and genetic evidence.

Carola Vinuesa Lab, John Curtin School of Medical Research
Classification: Benign for Systemic lupus erythematosus. Review status: no assertion criteria provided. Collection method: research. Allele origin: germline. Affected: yes. Not counted in ClinVar's aggregate classification.

Literature cited by the submitters: PubMed 30191644 (cited by Labcorp Genetics (formerly Invitae), Labcorp); PubMed 31101814 (cited by Labcorp Genetics (formerly Invitae), Labcorp).